The following is an entry in ClinVar:

NM_000053.4(ATP7B):c.1869+1G>T

Gene: ATP7B (ATPase copper transporting beta; minus strand). Cytogenetic location: 13q14.3.
Variant type: single nucleotide variant.
Coding change: c.1869+1G>T on transcript NM_000053.4 (MANE Select); the canonical splice donor site of the intron after coding-DNA position 1869, G replaced by T.
Molecular consequence: splice donor variant. On other transcripts: intron variant (3).
Genome position (GRCh38, 1-based): chr13:51,964,871, C>A on the plus strand (G>T on the coding strand, the complement: ATP7B is on the minus strand). VCF-style: chr13-51964871-C-A. GRCh37 (hg19) VCF-style: chr13-52539007-C-A.
Other names: c.1869+1G>T (NM_001406541.1, NM_001406531.1, NM_001406527.1 and 24 more transcripts); c.1773+1G>T (NM_001406543.1, NM_001406518.1, NM_001406544.1 and 3 more transcripts); c.1536+1G>T (NM_001243182.2); c.1285+9064G>T (NM_001406548.1); c.1836+1G>T (NM_001406524.1, NM_001406514.1); c.1707+3573G>T (NM_001406547.1, NM_001406545.1); c.1440+1G>T (NM_001406539.1).
Identifiers: ClinVar variation 3381099 (VCV003381099.2).

ClinVar aggregate classification (germline): Conflicting classifications of pathogenicity. Review status: criteria provided, conflicting classifications (1 of 4 stars). 2 submissions from 2 submitters: Likely pathogenic (1); Uncertain significance (1). Last evaluated 2024-03-24.

Conditions:
Wilson disease (WND). Also called: Wilson's disease. Identifiers: Orphanet 905, MedGen C0019202, MONDO:0010200, OMIM 277900. Disease mechanism: loss of function.

Submissions (2):

All of Us Research Program, National Institutes of Health
Classification: Uncertain significance for Wilson disease. Last evaluated: 2024-03-24. Review status: criteria provided, single submitter. Criteria: ACMG Guidelines, 2015. Collection method: clinical testing. Allele origin: germline. Inheritance: Autosomal recessive inheritance. Observed: 1 variant allele, 1 heterozygote.
Comment: This variant causes a c.G>T nucleotide substitution at the +1 position of intron 5 of the ATP7B gene. Splice site prediction tools suggest that this variant may have a significant impact on RNA splicing. To our knowledge, this prediction has not been investigated in published RNA studies. This variant has not been reported in individuals affected with ATP7B-related conditions in the literature. This variant has not been identified in the general population by the Genome Aggregation Database (gnomAD). Although there is a suspicion for a pathogenic role, this variant is classified as Variant of Uncertain Significance due to insufficient evidence.

This study involves interpretation of variants in research participants for the purpose of population health screening. Participant phenotype was not available at the time of variant classification. Additional details can be found in publication PMID: 35346344, PMCID: PMC8962531

Mayo Clinic Laboratories, Mayo Clinic
Classification: Likely pathogenic. Last evaluated: 2024-01-22. Review status: criteria provided, single submitter. Criteria: ACMG Guidelines, 2015. Collection method: clinical testing. Allele origin: germline. Observed: 1 variant allele.
Comment: PM2_moderate, PM3, PVS1_strong

Literature cited by the submitters: PubMed 21956287 (cited by Mayo Clinic Laboratories, Mayo Clinic).